The following is an entry in ClinVar:

NM_006545.5(NPRL2):c.847C>T (p.Gln283Ter)

Gene: NPRL2 (NPR2 like, GATOR1 complex subunit; minus strand). Cytogenetic location: 3p21.31.
Variant type: single nucleotide variant.
Coding change: c.847C>T on transcript NM_006545.5 (MANE Select); coding-DNA position 847, C replaced by T.
Protein change: p.Gln283Ter; replaces glutamine 283 with a stop codon.
Molecular consequence: nonsense.
Genome position (GRCh38, 1-based): chr3:50,348,209, G>A on the plus strand (C>T on the coding strand, the complement: NPRL2 is on the minus strand). VCF-style: chr3-50348209-G-A. GRCh37 (hg19) VCF-style: chr3-50385640-G-A.
Other names: short protein forms Q283*.
Identifiers: ClinVar variation 3300849 (VCV003300849.2).

ClinVar aggregate classification (germline): Pathogenic. Review status: criteria provided, multiple submitters, no conflicts (2 of 4 stars). 2 submissions from 2 submitters: Pathogenic (2). Last evaluated 2024-10-10.

Conditions:
Inborn genetic diseases. Identifiers: MedGen C0950123, MeSH D030342.

Submissions (2):

GeneDx
Classification: Pathogenic. Last evaluated: 2024-10-10. Review status: criteria provided, single submitter. Criteria: GeneDx Variant Classification Process June 2021. Collection method: clinical testing. Allele origin: germline. Affected: yes.
Comment: Nonsense variant predicted to result in protein truncation or nonsense mediated decay in a gene for which loss of function is a known mechanism of disease; Not observed at significant frequency in large population cohorts (gnomAD); Has not been previously published as pathogenic or benign to our knowledge

Ambry Genetics
Classification: Pathogenic for Inborn genetic diseases. Last evaluated: 2024-03-21. Review status: criteria provided, single submitter. Criteria: Ambry Variant Classification Scheme 2023. Collection method: clinical testing. Allele origin: germline.
Comment: The c.847C>T (p.Q283*) alteration, located in exon 9 (coding exon 9) of the NPRL2 gene, consists of a C to T substitution at nucleotide position 847. This changes the amino acid from a glutamine (Q) to a stop codon at amino acid position 283. This alteration is expected to result in loss of function by premature protein truncation or nonsense-mediated mRNA decay. This variant was not reported in population-based cohorts in the Genome Aggregation Database (gnomAD). Based on the available evidence, this alteration is classified as pathogenic.